The following is an entry in ClinVar:

NM_172107.4(KCNQ2):c.1617C>T (p.Ser539=)

Gene: KCNQ2 (potassium voltage-gated channel subfamily Q member 2; minus strand). Cytogenetic location: 20q13.33.
Variant type: single nucleotide variant.
Coding change: c.1617C>T on transcript NM_172107.4 (MANE Select); coding-DNA position 1617, C replaced by T.
Protein change: p.Ser539=; no amino-acid change (serine 539 retained).
Molecular consequence: synonymous variant.
Genome position (GRCh38, 1-based): chr20:63,414,102, G>A on the plus strand (C>T on the coding strand, the complement: KCNQ2 is on the minus strand). VCF-style: chr20-63414102-G-A. GRCh37 (hg19) VCF-style: chr20-62045455-G-A.
Other names: c.1563C>T, p.Ser521= (NM_001382235.1, NM_172106.3); c.1533C>T, p.Ser511= (NM_004518.6); c.1524C>T, p.Ser508= (NM_172108.5).
Identifiers: ClinVar variation 1077142 (VCV001077142.2), dbSNP rs2145547497, ClinGen allele CA511203860.

ClinVar aggregate classification (germline): Likely pathogenic (1 of 4 stars; one submission).

Conditions:
Seizure. Also called: Seizures. Identifiers: MedGen C0036572, HP:0001250.

Submission:

Cipher Gene Genetics Laboratory, Cipher Gene, Inc
Classification: Likely pathogenic for Seizure. Last evaluated: 2021-05-01. Review status: criteria provided, single submitter. Criteria: ACMG Guidelines, 2015. Collection method: clinical testing. Allele origin: germline. Inheritance: Autosomal dominant inheritance. Affected: yes. Observed: 1 variant allele, 1 heterozygote.
Comment: a synonymous variant Chr20(GRCh38): g.63414102G>A, NM_172107.3 (KCNQ2): c.1617C>T (p.Ser539=)) is absent from = population database (gnomAD, ExAC) , it segregates with disease in three affected relatives. Additionally, functional studies indicate the variant resulted in shorter transcripts with 20-nt deletion, owing to the activation of a novel cryptic 5â€™ donor splice site within exon14.